The following is an entry in ClinVar:

NM_138694.4(PKHD1):c.3761_3762delinsG (p.Ala1254fs)

Gene: PKHD1 (PKHD1 ciliary IPT domain containing fibrocystin/polyductin; minus strand). Cytogenetic location: 6p12.2.
Variant type: Indel.
Coding change: c.3761_3762delinsG on transcript NM_138694.4 (MANE Select); coding-DNA positions 3761 to 3762, CC replaced by G.
Protein change: p.Ala1254fs; shifts the reading frame from alanine 1254.
Genome position (GRCh38, 1-based): chr6:52,026,048-52,026,049, GG replaced by C on the plus strand (CC replaced by G on the coding strand, the reverse complement: PKHD1 is on the minus strand). VCF-style: chr6-52026048-GG-C. GRCh37 (hg19) VCF-style: chr6-51890846-GG-C.
Other names: (p.Ala1254GlyfsX49); p.Ala1254Glyfs*49; c.3761_3762delinsG, p.Ala1254fs (NM_170724.3); short protein forms A1254fs.
Identifiers: ClinVar variation 96398 (VCV000096398.46), dbSNP rs398124484, ClinGen allele CA224071.

ClinVar aggregate classification (germline): Pathogenic. Review status: criteria provided, multiple submitters, no conflicts (2 of 4 stars). 17 submissions from 17 submitters: Pathogenic (16). 1 of the submissions does not count toward it. Last evaluated 2026-02-24.

Conditions:
PKHD1-related disorder. Also called: PKHD1-related condition.
Polycystic kidney disease 4 (PKD4). Also called: POLYCYSTIC KIDNEY AND HEPATIC DISEASE 1; POLYCYSTIC KIDNEY DISEASE, INFANTILE, TYPE I; POLYCYSTIC KIDNEY DISEASE 4 WITH OR WITHOUT POLYCYSTIC LIVER DISEASE; PKD3; Autosomal Recessive Polycystic Kidney Disease – PKHD1. Identifiers: MedGen C4540575, MONDO:0033004, OMIM 263200.
Autosomal recessive polycystic kidney disease (ARPKD). Also called: AR polycystic kidney disease. Identifiers: Orphanet 731, Orphanet 8378, MedGen C0085548, MeSH D017044, MONDO:0009889.

Submissions 1 to 11 of 17:

PreventionGenetics, part of Exact Sciences
Classification: Pathogenic for PKHD1-related condition. Last evaluated: 2026-02-24. Review status: criteria provided, single submitter. Criteria: ACMG Guidelines, 2015. Collection method: clinical testing. Allele origin: germline.
Comment: The PKHD1 c.3761_3762delinsG variant is predicted to result in a frameshift and premature protein termination (p.Ala1254Glyfs*49). This variant has been reported in unrelated individuals with polycystic kidney disease (Onuchic et al. 2002. PubMed ID: 11898128; Quint et al. 2015. PubMed ID: 26721323). This variant has not been reported in a large population database (gnomAD), indicating this variant is rare. Frameshift variants in PKHD1 are expected to be pathogenic. This variant is interpreted as pathogenic.

Natera, Inc.
Classification: Pathogenic for Autosomal recessive polycystic kidney disease. Last evaluated: 2025-12-01. Review status: criteria provided, single submitter. Criteria: Natera Variant Classification Schema (03/2026). Collection method: clinical testing. Allele origin: germline.
Comment: The c.3761_3762delCCinsG variant in PKHD1 is a frameshift variant predicted to shift the reading frame beginning at codon 1254 and leads to a stop codon 49 codons downstream. This variant is expected to result in nonsense mediated decay, truncation, or a dysfunctional protein product. This variant is rare in the general population with a frequency below the threshold expected for the associated phenotype(s). This variant has been observed in one or more individuals affected with the associated recessive disease, as either homozygous or compound heterozygous with a second variant (PMID: 22034641). Given the available evidence, this variant is classified as Pathogenic.

Rady Children's Institute for Genomic Medicine, Rady Children's Hospital San Diego
Classification: Pathogenic for Polycystic kidney disease, autosomal recessive. Last evaluated: 2025-08-12. Review status: criteria provided, single submitter. Criteria: ACMG Guidelines, 2015. Collection method: clinical testing. Allele origin: germline. Affected: yes.
Comment: This frameshifting variant in exon 32 of 67 is predicted to result in loss of normal protein function through either protein truncation or nonsense-mediated mRNA decay. Loss-of-function variation in PKHD1 is an established mechanism of disease (PMID: 20301501). This variant is a common Ashkenazi Jewish founder mutation that has been previously reported as a compound heterozygous or homozygous change in patients with autosomal recessive polycystic kidney disease (PMID: 12846734, 20413436, 15805161). This variant is reported as a separate deletion and substitution [c.3766del;c.3761C>G] in the latest version of the gnomAD population database at an allele frequency of 0.02% (304/1613980). Based on the available evidence, c.3761_3762delinsG (p.Ala1254GlyfsTer49) is classified as Pathogenic.

Mayo Clinic Laboratories, Mayo Clinic
Classification: Pathogenic. Last evaluated: 2025-03-04. Review status: criteria provided, single submitter. Criteria: ACMG Guidelines, 2015. Collection method: clinical testing. Allele origin: germline. Observed: 2 variant alleles.
Comment: PM2_supporting, PM3_very_strong, PVS1

Fulgent Genetics
Classification: Pathogenic for Polycystic kidney disease 4. Last evaluated: 2024-05-13. Review status: criteria provided, single submitter. Criteria: ACMG Guidelines, 2015. Collection method: clinical testing. Allele origin: germline.

New York Genome Center
Classification: Pathogenic for Polycystic kidney disease 4. Last evaluated: 2024-02-09. Review status: criteria provided, single submitter. Criteria: NYGC Assertion Criteria 2020. Collection method: clinical testing. Allele origin: inherited. Affected: yes. Observed: 1 variant allele, 1 compound heterozygote.
Comment: The heterozygous inherited c.3761_3762delinsG (p.(Ala1254GlyfsTer49)) variant in the PKHD1 gene has previously been reported in homozygous state in multiple fetuses with autosomal recessive polycystic kidney disease [PMID:26721323] and in trans with a second PKHD1 variant in multiple individuals and/or fetuses with bilateral renal cysts, enlarged kidneys, proteinuria, Potter sequence with enlarged hyperechogenic kidneys and oligo/anhydramnios [PMID:32939031,35368817,22034641, others]. The c.3761_3762delinsG variant is annotated as c.3766delC and found with 615 alleles (0.0255% minor allele frequency with 0 homozygotes) in population databases (gnomAD v4.0.0, BRAVO-TOPMed, All of US). The c.3761_3762delinsG variant has been deposited in ClinVar [ClinVar ID: 96398] as Pathogenic by multiple submitters (14 submissions). The c.3761_3762delinsG p.( Ala1254GlyfsTer49) variant is located in exon 32 of this 67-exon gene, predicted to lead to the frameshift of the protein at amino acid 1254/4074. This is predicted to result in the premature termination of the protein 49 amino acids downstream of the variant and is expected to result in loss of function via nonsense-mediated decay. Based on available evidence this inherited c.3761_3762delinsG p.(Ala1254GlyfsTer49) variant identified in the PKHD1 gene is classified as Pathogenic.

Labcorp Genetics (formerly Invitae), Labcorp
Classification: Pathogenic for Autosomal recessive polycystic kidney disease. Last evaluated: 2023-09-08. Review status: criteria provided, single submitter. Criteria: Invitae Variant Classification Sherloc (09022015). Collection method: clinical testing. Allele origin: germline.
Comment: For these reasons, this variant has been classified as Pathogenic. ClinVar contains an entry for this variant (Variation ID: 188746). This variant is also known as c.3761_3762delinsG (p.Ala1254Glyfs*49). This premature translational stop signal has been observed in individual(s) with autosomal recessive polycystic kidney disease and is commonly reported in cis with a benign variant, c.3761C>G (PMID: 11898128, 12846734, 12874454, 15805161, 26721323, 31980526). This variant is present in population databases (rs746972457, gnomAD 0.7%), and has an allele count higher than expected for a pathogenic variant. This sequence change creates a premature translational stop signal (p.Ala1254Glyfs*49) in the PKHD1 gene. It is expected to result in an absent or disrupted protein product. Loss-of-function variants in PKHD1 are known to be pathogenic (PMID: 19940839).

Blueprint Genetics
Classification: Pathogenic for PKHD1-related disorders. Last evaluated: 2022-07-27. Review status: criteria provided, single submitter. Criteria: ACMG Guidelines, 2015. Collection method: clinical testing. Allele origin: germline. Affected: yes. Observed: 2 variant alleles.

GeneDx
Classification: Pathogenic. Last evaluated: 2021-02-08. Review status: criteria provided, single submitter. Criteria: GeneDx Variant Classification Process June 2021. Collection method: clinical testing. Allele origin: germline. Affected: yes.
Comment: Frameshift variant predicted to result in protein truncation or nonsense mediated decay in a gene for which loss-of-function is a known mechanism of disease; This variant is associated with the following publications: (PMID: 2846734, 30609409, 20413436, 19914852, 11898128, 26721323, 15698423, 29327352, 30566001, 15805161, 12874454, 12846734, 15108277)

Myriad Genetics, Inc.
Classification: Pathogenic for Polycystic kidney disease 4. Last evaluated: 2019-12-17. Review status: criteria provided, single submitter. Criteria: Myriad Women's Health Autosomal Recessive and X-Linked Classification Criteria (2019). Collection method: clinical testing. Allele origin: unknown.
Comment: NM_138694.3(PKHD1):c.3761_3762delCCinsG(A1254Gfs*49) is classified as pathogenic in the context of autosomal recessive polycystic kidney disease, PKHD1-related. Sources cited for classification include the following: PMID 12846734, 12874454, 19914852, 15805161, 11898128, 15698423 and 15108277. Classification of NM_138694.3(PKHD1):c.3761_3762delCCinsG(A1254Gfs*49) is based on the following criteria: The variant causes a premature termination codon that is expected to be targeted by nonsense-mediated mRNA decay and is reported in individuals with the relevant phenotype. Please note: this variant was assessed in the context of healthy population screening.

Department of Pathology and Laboratory Medicine, Sinai Health System
Classification: Pathogenic for Polycystic kidney disease 4. Last evaluated: 2019-10-10. Review status: criteria provided, single submitter. Criteria: ACMG Guidelines, 2015. Collection method: clinical testing. Allele origin: germline.